The following is an entry in ClinVar:

NM_153026.3(PRICKLE1):c.1541C>T (p.Thr514Ile)

Gene: PRICKLE1 (prickle planar cell polarity protein 1; minus strand). Cytogenetic location: 12q12.
Variant type: single nucleotide variant.
Coding change: c.1541C>T on transcript NM_153026.3 (MANE Select); coding-DNA position 1541, C replaced by T.
Protein change: p.Thr514Ile; replaces threonine 514 with isoleucine.
Molecular consequence: missense variant.
Genome position (GRCh38, 1-based): chr12:42,464,493, G>A on the plus strand (C>T on the coding strand, the complement: PRICKLE1 is on the minus strand). VCF-style: chr12-42464493-G-A. GRCh37 (hg19) VCF-style: chr12-42858295-G-A.
Other names: c.1541C>T, p.Thr514Ile (NM_001144881.2, NM_001144882.2, NM_001144883.2); short protein forms T514I.
Identifiers: ClinVar variation 839346 (VCV000839346.9), dbSNP rs374333566, ClinGen allele CA6519740.

ClinVar aggregate classification (germline): Uncertain significance (1 of 4 stars; one submission).

Conditions:
Epilepsy, progressive myoclonic, 1B. Also called: PME. Identifiers: Orphanet 308, MedGen C2676254, MONDO:0012904, OMIM 612437.

Allele frequency attached by ClinVar (database versions not stated): TOPMed 0.00003; ESP Exome Variant Server 0.00008; gnomAD exomes 0.00001 and below 0.00001; gnomAD 0.00003 and 0.00004; ExAC 0.00001.
gnomAD v4.1: 7 of 1,613,834 alleles (0.00043%); highest among the groups gnomAD compares: African/African-American, 0.008%; no homozygotes.

Submission:

Labcorp Genetics (formerly Invitae), Labcorp
Classification: Uncertain significance for Epilepsy, progressive myoclonic, 1B. Last evaluated: 2022-04-24. Review status: criteria provided, single submitter. Criteria: Invitae Variant Classification Sherloc (09022015). Collection method: clinical testing. Allele origin: germline.
Comment: In summary, the available evidence is currently insufficient to determine the role of this variant in disease. Therefore, it has been classified as a Variant of Uncertain Significance. Algorithms developed to predict the effect of missense changes on protein structure and function are either unavailable or do not agree on the potential impact of this missense change (SIFT: "Deleterious"; PolyPhen-2: "Benign"; Align-GVGD: "Class C0"). ClinVar contains an entry for this variant (Variation ID: 839346). This variant has not been reported in the literature in individuals affected with PRICKLE1-related conditions. This variant is present in population databases (rs374333566, gnomAD 0.01%). This sequence change replaces threonine, which is neutral and polar, with isoleucine, which is neutral and non-polar, at codon 514 of the PRICKLE1 protein (p.Thr514Ile).